The following is an entry in ClinVar:

ClinVar aggregate classification (germline): Benign/Likely benign. Review status: criteria provided, multiple submitters, no conflicts (2 of 4 stars). 3 submissions from 3 submitters: Benign (1); Likely benign (2). Last evaluated 2026-01-26.

Conditions:
Progressive myoclonic epilepsy type 8. Identifiers: Orphanet 424027, MedGen C5190825, MONDO:0014545, OMIM 616230.

Allele frequency attached by ClinVar (database versions not stated): gnomAD exomes 0.00117 and 0.00190; gnomAD 0.00126 and 0.00130; ExAC 0.00130; TOPMed 0.00150; ESP Exome Variant Server 0.00156; 1000 Genomes Project 0.00180; 1000 Genomes Project 30x 0.00203.
gnomAD v4.1: 2,939 of 1,613,398 alleles (0.18%); highest among the groups gnomAD compares: Admixed American, 0.25%; 4 homozygotes.

Submissions (3):

Labcorp Genetics (formerly Invitae), Labcorp
Classification: Benign for Progressive myoclonic epilepsy type 8. Last evaluated: 2026-01-26. Review status: criteria provided, single submitter. Criteria: Invitae Variant Classification Sherloc (09022015). Collection method: clinical testing. Allele origin: germline.

Blueprint Genetics
Classification: Likely benign. Last evaluated: 2024-10-22. Review status: criteria provided, single submitter. Criteria: ACMG Guidelines, 2015. Collection method: clinical testing. Allele origin: germline.

CeGaT Center for Human Genetics Tuebingen
Classification: Likely benign. Last evaluated: 2022-07-01. Review status: criteria provided, single submitter. Criteria: CeGaT Center For Human Genetics Tuebingen Variant Classification Criteria Version 2. Collection method: clinical testing. Allele origin: germline. Affected: yes. Observed: 1 variant allele.
Comment: CERS1: BP4, BP7

NM_021267.5(CERS1):c.450C>T (p.Ala150=)

Genes: CERS1 (ceramide synthase 1; minus strand), GDF1 (growth differentiation factor 1; minus strand). Cytogenetic location: 19p13.11.
Variant type: single nucleotide variant.
Coding change: c.450C>T on transcript NM_021267.5 (MANE Select); coding-DNA position 450, C replaced by T.
Protein change: p.Ala150=; no amino-acid change (alanine 150 retained).
Molecular consequence: synonymous variant. On other transcripts: 5 prime UTR variant (2).
Genome position (GRCh38, 1-based): chr19:18,884,227, G>A on the plus strand (C>T on the coding strand, the complement: CERS1 is on the minus strand). VCF-style: chr19-18884227-G-A. GRCh37 (hg19) VCF-style: chr19-18995036-G-A.
Other names: c.156C>T, p.Ala52= (NM_001290265.2, NM_001387442.1, NM_001387443.1 and 2 more transcripts); c.450C>T, p.Ala150= (NM_001387439.1, NM_001387440.1, NM_001387441.1 and 1 more transcripts); c.-453C>T (NM_001387438.1); c.-873C>T (NM_001492.6).
Identifiers: ClinVar variation 475372 (VCV000475372.42), dbSNP rs201106410, ClinGen allele CA9318258.